The following is an entry in ClinVar:

NM_198253.3(TERT):c.2211C>A (p.Asn737Lys)

Gene: TERT (telomerase reverse transcriptase; minus strand). Cytogenetic location: 5p15.33.
Variant type: single nucleotide variant.
Coding change: c.2211C>A on transcript NM_198253.3 (MANE Select); coding-DNA position 2211, C replaced by A.
Protein change: p.Asn737Lys; replaces asparagine 737 with lysine.
Molecular consequence: missense variant. On other transcripts: non-coding transcript variant (2).
Genome position (GRCh38, 1-based): chr5:1,278,716, G>T on the plus strand (C>A on the coding strand, the complement: TERT is on the minus strand). VCF-style: chr5-1278716-G-T. GRCh37 (hg19) VCF-style: chr5-1278831-G-T.
Other names: c.2211C>A, p.Asn737Lys (NM_001193376.3); short protein forms N737K.
Identifiers: ClinVar variation 1038274 (VCV001038274.9), dbSNP rs1749789535, ClinGen allele CA359079304.

ClinVar aggregate classification (germline): Uncertain significance (1 of 4 stars; one submission).

Conditions:
Dyskeratosis congenita, autosomal dominant 2. Identifiers: MedGen C3151443, MONDO:0013521, OMIM 613989.
Idiopathic Pulmonary Fibrosis. Also called: Idiopathic fibrosing alveolitis, chronic form; idiopathic fibrosing alveolitis. Identifiers: Orphanet 2032, MedGen C1800706, MeSH D054990, MONDO:0800504.

Submission:

Labcorp Genetics (formerly Invitae), Labcorp
Classification: Uncertain significance for Dyskeratosis congenita, autosomal dominant 2; Idiopathic Pulmonary Fibrosis. Last evaluated: 2020-09-09. Review status: criteria provided, single submitter. Criteria: Invitae Variant Classification Sherloc (09022015). Collection method: clinical testing. Allele origin: germline.
Comment: This sequence change replaces asparagine with lysine at codon 737 of the TERT protein (p.Asn737Lys). The asparagine residue is weakly conserved and there is a moderate physicochemical difference between asparagine and lysine. In summary, the available evidence is currently insufficient to determine the role of this variant in disease. Therefore, it has been classified as a Variant of Uncertain Significance. Advanced modeling of protein sequence and biophysical properties (such as structural, functional, and spatial information, amino acid conservation, physicochemical variation, residue mobility, and thermodynamic stability) performed at Invitae indicates that this missense variant is not expected to disrupt TERT protein function. This variant has not been reported in the literature in individuals with TERT-related conditions. This variant is not present in population databases (ExAC no frequency).